The following is an entry in ClinVar:

NM_004415.4(DSP):c.4434T>C (p.Asp1478=)

Gene: DSP (desmoplakin; plus strand). Cytogenetic location: 6p24.3.
Variant type: single nucleotide variant.
Coding change: c.4434T>C on transcript NM_004415.4 (MANE Select); coding-DNA position 4434, T replaced by C.
Protein change: p.Asp1478=; no amino-acid change (aspartic acid 1478 retained).
Molecular consequence: synonymous variant. On other transcripts: intron variant (2).
Genome position (GRCh38, 1-based): chr6:7,580,624, T>C. VCF-style: chr6-7580624-T-C. GRCh37 (hg19) VCF-style: chr6-7580857-T-C.
Other names: c.4050+384T>C (NM_001319034.2); c.3582+852T>C (NM_001008844.3).
Identifiers: ClinVar variation 1332382 (VCV001332382.3), dbSNP rs2113694074, ClinGen allele CA448714496.
Genomic context (GRCh38, chr6:7,580,624, plus strand): 5'-AACAGAGGAGAGCGTAAGATATAAGCAATCTCTTGATGATGCTGCCAAAACCATCCAGGA[T>C]AAAAACAAGGAGATAGAAAGGTTAAAACAACTGATCGACAAAGAAACAAATGACCGGAAA-3'
Protein context (NP_004406.2, residues 1468-1488): SLDDAAKTIQ[Asp1478=]KNKEIERLKQ

ClinVar aggregate classification (germline): Likely benign. Review status: criteria provided, multiple submitters, no conflicts (2 of 4 stars). 2 submissions from 2 submitters: Likely benign (2). Last evaluated 2023-04-03.

Conditions:
Cardiomyopathy (CMYO). Also called: Cardiomyopathies. Identifiers: Orphanet 167848, MedGen C0878544, MONDO:0004994, HP:0001638. Inheritance: Various modes of inheritance.
Arrhythmogenic cardiomyopathy with wooly hair and keratoderma. Also called: Carvajal syndrome; Dilated cardiomyopathy with woolly hair and keratoderma; Arrhythmogenic cardiomyopathy with woolly hair and keratoderma; PALMOPLANTAR KERATODERMA WITH LEFT VENTRICULAR CARDIOMYOPATHY AND WOOLLY HAIR. Identifiers: Orphanet 65282, MedGen C1854063, MONDO:0011581, OMIM 605676.

Submissions (2):

All of Us Research Program, National Institutes of Health
Classification: Likely benign for Arrhythmogenic cardiomyopathy with wooly hair and keratoderma. Last evaluated: 2023-04-03. Review status: criteria provided, single submitter. Criteria: ACMG Guidelines, 2015. Collection method: clinical testing. Allele origin: germline. Inheritance: Autosomal dominant inheritance. Observed: 1 variant allele, 1 heterozygote.
Comment: This study involves interpretation of variants in research participants for the purpose of population health screening. Participant phenotype was not available at the time of variant classification. Additional details can be found in publication PMID: 35346344, PMCID: PMC8962531

Color Diagnostics, LLC DBA Color Health
Classification: Likely benign for Cardiomyopathy. Last evaluated: 2021-03-16. Review status: criteria provided, single submitter. Criteria: ACMG Guidelines, 2015. Collection method: clinical testing. Allele origin: germline.